The following is an entry in ClinVar:

NM_001242896.3(DEPDC5):c.319C>T (p.Gln107Ter)

Gene: DEPDC5 (DEP domain containing 5, GATOR1 subcomplex subunit; plus strand). Cytogenetic location: 22q12.2.
Variant type: single nucleotide variant.
Coding change: c.319C>T on transcript NM_001242896.3 (MANE Select); coding-DNA position 319, C replaced by T.
Protein change: p.Gln107Ter; replaces glutamine 107 with a stop codon.
Molecular consequence: nonsense. On other transcripts: non-coding transcript variant (5), intron variant (2).
Genome position (GRCh38, 1-based): chr22:31,766,624, C>T. VCF-style: chr22-31766624-C-T. GRCh37 (hg19) VCF-style: chr22-32162610-C-T.
Other names: c.319C>T, p.Gln107Ter (NM_001007188.4, NM_001136029.4, NM_001242897.2 and 7 more transcripts); c.279+1564C>T (NM_001369902.1, NM_001369901.1); short protein forms Q107*.
Identifiers: ClinVar variation 839695 (VCV000839695.7), dbSNP rs2082841677, ClinGen allele CA411282366.

ClinVar aggregate classification (germline): Pathogenic (1 of 4 stars; one submission).

Conditions:
Familial focal epilepsy with variable foci (FPEVF). Identifiers: Orphanet 98820, MedGen C1858477, MONDO:0020310.

Submission:

Labcorp Genetics (formerly Invitae), Labcorp
Classification: Pathogenic for Familial focal epilepsy with variable foci. Last evaluated: 2022-01-13. Review status: criteria provided, single submitter. Criteria: Invitae Variant Classification Sherloc (09022015). Collection method: clinical testing. Allele origin: germline.
Comment: This sequence change creates a premature translational stop signal (p.Gln107*) in the DEPDC5 gene. It is expected to result in an absent or disrupted protein product. Loss-of-function variants in DEPDC5 are known to be pathogenic (PMID: 23542697, 23542701). For these reasons, this variant has been classified as Pathogenic. ClinVar contains an entry for this variant (Variation ID: 839695). This premature translational stop signal has been observed in individual(s) with clinical features of DEPDC5-related conditions (PMID: 30093711). This variant is not present in population databases (gnomAD no frequency).

Literature cited by the submitters: PubMed 23542697; PubMed 23542701; PubMed 30093711.